The following is an entry in ClinVar:

NM_000638.4(VTN):c.896C>T (p.Ser299Leu)

Gene: VTN (vitronectin; minus strand). Cytogenetic location: 17q11.2.
Variant type: single nucleotide variant.
Coding change: c.896C>T on transcript NM_000638.4 (MANE Select); coding-DNA position 896, C replaced by T.
Protein change: p.Ser299Leu; replaces serine 299 with leucine.
Molecular consequence: missense variant.
Genome position (GRCh38, 1-based): chr17:28,368,604, G>A on the plus strand (C>T on the coding strand, the complement: VTN is on the minus strand). VCF-style: chr17-28368604-G-A. GRCh37 (hg19) VCF-style: chr17-26695625-G-A.
Other names: short protein forms S299L.
Identifiers: ClinVar variation 2629099 (VCV002629099.1), dbSNP rs527927776, ClinGen allele CA8457492.

ClinVar aggregate classification (germline): Uncertain significance (1 of 4 stars; one submission).

Conditions:
VTN-related disorder. Also called: VTN-related condition.

Allele frequency attached by ClinVar (database versions not stated): ExAC 0.00001; gnomAD 0.00002; gnomAD exomes 0.00002; TOPMed 0.00002.

Submission:

PreventionGenetics, part of Exact Sciences
Classification: Uncertain significance for VTN-related condition. Last evaluated: 2023-08-01. Review status: criteria provided, single submitter. Criteria: ACMG Guidelines, 2015. Collection method: clinical testing. Allele origin: germline.
Comment: The VTN c.896C>T variant is predicted to result in the amino acid substitution p.Ser299Leu. To our knowledge, this variant has not been reported in the literature. This variant is reported in 0.00088% of alleles in individuals of European (Non-Finnish) descent in gnomAD. At this time, the clinical significance of this variant is uncertain due to the absence of conclusive functional and genetic evidence.